The following is an entry in ClinVar:

ClinVar aggregate classification (germline): Benign/Likely benign. Review status: criteria provided, multiple submitters, no conflicts (2 of 4 stars). 6 submissions from 5 submitters: Benign (5); Likely benign (1). Last evaluated 2025-02-01.

Conditions:
Neurofibromatosis, type 1 (NF1). Also called: VON RECKLINGHAUSEN DISEASE; Peripheral type neurofibromatosis; Neurofibromatosis, type I; NEUROFIBROMATOSIS, TYPE I, SOMATIC. Identifiers: Orphanet 636, MedGen C0027831, MONDO:0018975, OMIM 162200. Disease mechanism: loss of function.
Neurofibromatosis, familial spinal (FSNF). Identifiers: Orphanet 636, MedGen C1834235, MONDO:0008078, OMIM 162210. Disease mechanism: loss of function.

Allele frequency attached by ClinVar (database versions not stated): ESP Exome Variant Server 0.00008; gnomAD 0.00010 and 0.00121; TOPMed 0.00023; gnomAD exomes 0.00207 and 0.00404; ExAC 0.00456; 1000 Genomes Project 0.00759; 1000 Genomes Project 30x 0.00781.
gnomAD v4.1: 3,183 of 1,607,690 alleles (0.2%); highest among the groups gnomAD compares: South Asian, 3.3%; 73 homozygotes.

Submissions (6):

KCCC/NGS Laboratory, Kuwait Cancer Control Center
Classification: Benign for Neurofibromatosis, type 1. Last evaluated: 2025-02-01. Review status: criteria provided, single submitter. Criteria: ACMG Guidelines, 2015. Collection method: clinical testing. Allele origin: germline. Affected: no.

KCCC/NGS Laboratory, Kuwait Cancer Control Center
Classification: Benign for Neurofibromatosis, familial spinal. Last evaluated: 2023-07-07. Review status: criteria provided, single submitter. Criteria: ACMG Guidelines, 2015. Collection method: clinical testing. Allele origin: germline. Affected: yes.

Genome-Nilou Lab
Classification: Benign for Neurofibromatosis, type 1. Last evaluated: 2022-03-15. Review status: criteria provided, single submitter. Criteria: ACMG Guidelines, 2015. Collection method: clinical testing. Allele origin: germline. Affected: no.

GeneDx
Classification: Likely benign. Last evaluated: 2018-06-14. Review status: criteria provided, single submitter. Criteria: GeneDx Variant Classification (06012015). Collection method: clinical testing. Allele origin: germline. Affected: yes.
Comment: This variant is considered likely benign or benign based on one or more of the following criteria: it is a conservative change, it occurs at a poorly conserved position in the protein, it is predicted to be benign by multiple in silico algorithms, and/or has population frequency not consistent with disease.

ARUP Laboratories, Molecular Genetics and Genomics, ARUP Laboratories
Classification: Benign. Last evaluated: 2016-09-13. Review status: criteria provided, single submitter. Criteria: ARUP Molecular Germline Variant Investigation Process. Collection method: clinical testing. Allele origin: germline.

Labcorp Genetics (formerly Invitae), Labcorp
Classification: Benign for Neurofibromatosis, type 1. Last evaluated: 2015-09-24. Review status: criteria provided, single submitter. Criteria: Invitae Variant Classification Sherloc (09022015). Collection method: clinical testing. Allele origin: germline.

NM_001042492.3(NF1):c.2252-34T>C

Gene: NF1 (neurofibromin 1; plus strand). Cytogenetic location: 17q11.2.
Variant type: single nucleotide variant.
Coding change: c.2252-34T>C on transcript NM_001042492.3 (MANE Select); 34 bases into the intron before coding-DNA position 2252, T replaced by C.
Molecular consequence: intron variant.
Genome position (GRCh38, 1-based): chr17:31,227,184, T>C. VCF-style: chr17-31227184-T-C. GRCh37 (hg19) VCF-style: chr17-29554202-T-C.
Other names: c.2252-34T>C (NM_001042492.2, NM_000267.4).
Identifiers: ClinVar variation 215463 (VCV000215463.12), dbSNP rs200937398, ClinGen allele CA337896.
Genomic context (GRCh38, chr17:31,227,184, plus strand): 5'-TCTTCCTACTCCTTTTGGGTGGAGCTTATCAGGTTCTCCATTGGCAGGCAGGGCTCTAAG[T>C]GCAGTAACTTGATTTGCTGTTGTATTTGCTTAGGAAGAGCAGCACTTCAGAAAAGAGTGA-3'